The following is an entry in ClinVar:

ClinVar aggregate classification (germline): Uncertain significance (1 of 4 stars; one submission).

Allele frequency attached by ClinVar (database versions not stated): TOPMed below 0.00001; gnomAD 0.00001.
gnomAD v4.1: 1 of 152,038 alleles (0.00066%); highest among the groups gnomAD compares: Non-Finnish European, 0.0015%; no homozygotes.

Submission:

Labcorp Genetics (formerly Invitae), Labcorp
Classification: Uncertain significance. Last evaluated: 2022-10-17. Review status: criteria provided, single submitter. Criteria: Invitae Variant Classification Sherloc (09022015). Collection method: clinical testing. Allele origin: germline.
Comment: This variant occurs in a non-coding region of the EYS gene. It does not change the encoded amino acid sequence of the EYS protein. This variant is not present in population databases (gnomAD no frequency). This variant has not been reported in the literature in individuals affected with EYS-related conditions. ClinVar contains an entry for this variant (Variation ID: 1056525). Experimental studies and prediction algorithms are not available or were not evaluated, and the functional significance of this variant is currently unknown. In summary, the available evidence is currently insufficient to determine the role of this variant in disease. Therefore, it has been classified as a Variant of Uncertain Significance.

NM_001142800.2(EYS):c.-413T>A

Gene: EYS (eyes shut homolog; minus strand). Cytogenetic location: 6q12.
Variant type: single nucleotide variant.
Coding change: c.-413T>A on transcript NM_001142800.2 (MANE Select); 413 bases upstream of the start codon, T replaced by A.
Molecular consequence: 5 prime UTR variant.
Genome position (GRCh38, 1-based): chr6:65,639,858, A>T on the plus strand (T>A on the coding strand, the complement: EYS is on the minus strand). VCF-style: chr6-65639858-A-T. GRCh37 (hg19) VCF-style: chr6-66349751-A-T.
Other names: c.-413T>A (NM_001142801.2, NM_001292009.2).
Identifiers: ClinVar variation 1056525 (VCV001056525.4), dbSNP rs1251075689, ClinGen allele CA827194040.